The following is an entry in ClinVar:

ClinVar aggregate classification (germline): Conflicting classifications of pathogenicity. Review status: criteria provided, conflicting classifications (1 of 4 stars). 2 submissions from 2 submitters: Uncertain significance (1); Likely benign (1). Last evaluated 2025-09-04.

Conditions:
Hereditary cancer-predisposing syndrome. Also called: Neoplastic Syndromes, Hereditary; Hereditary Cancer Syndrome; Hereditary neoplastic syndrome; Tumor predisposition. Identifiers: Orphanet 140162, MedGen C0027672, MeSH D009386, MONDO:0015356.

Submissions (2):

Ambry Genetics
Classification: Uncertain significance for Hereditary cancer-predisposing syndrome. Last evaluated: 2025-09-04. Review status: criteria provided, single submitter. Criteria: Ambry Variant Classification Scheme 2023. Collection method: clinical testing. Allele origin: germline.
Comment: The p.Q472H variant (also known as c.1416G>C), located in coding exon 9 of the BRCA2 gene, results from a G to C substitution at nucleotide position 1416. The glutamine at codon 472 is replaced by histidine, an amino acid with highly similar properties. This amino acid position is well conserved in available vertebrate species. In addition, this alteration is predicted to be tolerated by in silico analysis. Based on the available evidence, the clinical significance of this variant remains unclear.

University of Washington Department of Laboratory Medicine, University of Washington
Classification: Likely benign for Hereditary cancer-predisposing syndrome. Last evaluated: 2023-03-23. Review status: criteria provided, single submitter. Criteria: Dines et al. (Genet Med. 2020). Collection method: curation. Allele origin: germline.
Comment: Missense variant in a coldspot region where missense variants are very unlikely to be pathogenic (PMID:31911673).

BRCA2 exon 10 coldspot. Reclassification based on statistical prior probability.

NM_000059.4(BRCA2):c.1416G>C (p.Gln472His)

Gene: BRCA2 (BRCA2 DNA repair associated; plus strand). Cytogenetic location: 13q13.1.
Variant type: single nucleotide variant.
Coding change: c.1416G>C on transcript NM_000059.4 (MANE Select); coding-DNA position 1416, G replaced by C.
Protein change: p.Gln472His; replaces glutamine 472 with histidine.
Molecular consequence: missense variant.
Genome position (GRCh38, 1-based): chr13:32,332,894, G>C. VCF-style: chr13-32332894-G-C. GRCh37 (hg19) VCF-style: chr13-32907031-G-C.
Other names: short protein forms Q472H.
Identifiers: ClinVar variation 479354 (VCV000479354.8), dbSNP rs876659746, ClinGen allele CA387764211.